The following is an entry in ClinVar:

ClinVar aggregate classification (germline): Uncertain significance (1 of 4 stars; one submission).

Conditions:
Ehlers-Danlos syndrome, musculocontractural type 2 (EDSMC2). Identifiers: Orphanet 2953, MedGen C3809845, MONDO:0014236, OMIM 615539.

Submission:

Labcorp Genetics (formerly Invitae), Labcorp
Classification: Uncertain significance for Ehlers-Danlos syndrome, musculocontractural type 2. Last evaluated: 2021-08-26. Review status: criteria provided, single submitter. Criteria: Invitae Variant Classification Sherloc (09022015). Collection method: clinical testing. Allele origin: germline.
Comment: This sequence change replaces lysine with asparagine at codon 512 of the DSE protein (p.Lys512Asn). The lysine residue is highly conserved and there is a moderate physicochemical difference between lysine and asparagine. This variant is not present in population databases (ExAC no frequency). This variant has not been reported in the literature in individuals affected with DSE-related conditions. Algorithms developed to predict the effect of missense changes on protein structure and function are either unavailable or do not agree on the potential impact of this missense change (SIFT: "Not Available"; PolyPhen-2: "Possibly Damaging"; Align-GVGD: "Not Available"). In summary, the available evidence is currently insufficient to determine the role of this variant in disease. Therefore, it has been classified as a Variant of Uncertain Significance.

NM_013352.4(DSE):c.1536A>C (p.Lys512Asn)

Gene: DSE (dermatan sulfate epimerase; plus strand). Cytogenetic location: 6q22.1.
Variant type: single nucleotide variant.
Coding change: c.1536A>C on transcript NM_013352.4 (MANE Select); coding-DNA position 1536, A replaced by C.
Protein change: p.Lys512Asn; replaces lysine 512 with asparagine.
Molecular consequence: missense variant. On other transcripts: 3 prime UTR variant (2), non-coding transcript variant (1).
Genome position (GRCh38, 1-based): chr6:116,436,004, A>C. VCF-style: chr6-116436004-A-C. GRCh37 (hg19) VCF-style: chr6-116757167-A-C.
Other names: c.1536A>C, p.Lys512Asn (NM_001080976.3, NM_001322937.2, NM_001322938.2); c.1593A>C, p.Lys531Asn (NM_001322939.2); c.975A>C, p.Lys325Asn (NM_001322940.2, NM_001322941.2); c.*401A>C (NM_001322943.2, NM_001322944.2); c.537A>C, p.Lys179Asn (NM_001374520.1); c.501A>C, p.Lys167Asn (NM_001374521.1); short protein forms K167N, K325N, K531N, K179N, K512N.
Identifiers: ClinVar variation 1449099 (VCV001449099.6), dbSNP rs2115094625, ClinGen allele CA365401668.
Genomic context (GRCh38, chr6:116,436,004, plus strand): 5'-GAGCTGCTTTTCTCCCTGGGTGGGTCAGGTCACAGAAGACTGCTCATCAAAATGGTCTAA[A>C]TACAAGCATGACCTGGCAGCTAGTTGTCAGGGGAGGGTGGTTGCAGCAGAGGAGAAAAAT-3'
Protein context (NP_037484.1, residues 502-522): VTEDCSSKWS[Lys512Asn]YKHDLAASCQ